The following is an entry in ClinVar:

ClinVar aggregate classification (germline): Uncertain significance (1 of 4 stars; one submission).

Conditions:
Werner syndrome (WRN). Identifiers: Orphanet 902, MedGen C0043119, MONDO:0010196, OMIM 277700.

Allele frequency attached by ClinVar (database versions not stated): gnomAD exomes below 0.00001; ExAC 0.00001.
gnomAD v4.1: 3 of 1,612,988 alleles (0.00019%); highest among the groups gnomAD compares: South Asian, 0.0011%; no homozygotes.

Submission:

Labcorp Genetics (formerly Invitae), Labcorp
Classification: Uncertain significance for Werner syndrome. Last evaluated: 2025-07-07. Review status: criteria provided, single submitter. Criteria: Invitae Variant Classification Sherloc (09022015). Collection method: clinical testing. Allele origin: germline.
Comment: This sequence change replaces alanine, which is neutral and non-polar, with valine, which is neutral and non-polar, at codon 841 of the WRN protein (p.Ala841Val). This variant is present in population databases (rs755249893, gnomAD 0.0009%). This variant has not been reported in the literature in individuals affected with WRN-related conditions. ClinVar contains an entry for this variant (Variation ID: 458420). An algorithm developed to predict the effect of missense changes on protein structure and function (PolyPhen-2) suggests that this variant is likely to be disruptive. In summary, the available evidence is currently insufficient to determine the role of this variant in disease. Therefore, it has been classified as a Variant of Uncertain Significance.

NM_000553.6(WRN):c.2522C>T (p.Ala841Val)

Gene: WRN (WRN RecQ like helicase; plus strand). Cytogenetic location: 8p12.
Variant type: single nucleotide variant.
Coding change: c.2522C>T on transcript NM_000553.6 (MANE Select); coding-DNA position 2522, C replaced by T.
Protein change: p.Ala841Val; replaces alanine 841 with valine.
Molecular consequence: missense variant.
Genome position (GRCh38, 1-based): chr8:31,120,316, C>T. VCF-style: chr8-31120316-C-T. GRCh37 (hg19) VCF-style: chr8-30977832-C-T.
Other names: short protein forms A841V.
Identifiers: ClinVar variation 458420 (VCV000458420.2), dbSNP rs755249893, ClinGen allele CA4704773.